The following is an entry in ClinVar:

ClinVar aggregate classification (germline): Conflicting classifications of pathogenicity. Review status: criteria provided, conflicting classifications (1 of 4 stars). 6 submissions from 6 submitters: Uncertain significance (2); Likely benign (3). 1 of the submissions does not count toward it. Last evaluated 2026-03-01.

Conditions:
KIF14-related disorder. Also called: KIF14-related condition.
Lethal fetal cerebrorenogenitourinary agenesis/hypoplasia syndrome. Also called: Meckel syndrome 12. Identifiers: Orphanet 439897, MedGen C4015701, MONDO:0014552, OMIM 616258.
Microcephaly 20, primary, autosomal recessive. Identifiers: MedGen C4693572, MONDO:0054761, OMIM 617914.
Inborn genetic diseases. Identifiers: MedGen C0950123, MeSH D030342.

Allele frequency attached by ClinVar (database versions not stated): 1000 Genomes Project 30x 0.00062; 1000 Genomes Project 0.00080; TOPMed 0.00117; gnomAD exomes 0.00119 and 0.00149; gnomAD 0.00126 and 0.00128; ExAC 0.00134; ESP Exome Variant Server 0.00154.
gnomAD v4.1: 2,341 of 1,614,110 alleles (0.15%); highest among the groups gnomAD compares: Non-Finnish European, 0.18%; 1 homozygote.

Submissions (6):

CeGaT Center for Human Genetics Tuebingen
Classification: Likely benign. Last evaluated: 2026-03-01. Review status: criteria provided, single submitter. Criteria: CeGaT Center For Human Genetics Tuebingen Variant Classification Criteria Version 2. Collection method: clinical testing. Allele origin: germline. Affected: yes. Observed: 6 variant alleles.
Comment: KIF14: BP4

Labcorp Genetics (formerly Invitae), Labcorp
Classification: Likely benign. Last evaluated: 2026-01-28. Review status: criteria provided, single submitter. Criteria: Invitae Variant Classification Sherloc (09022015). Collection method: clinical testing. Allele origin: germline.

Ambry Genetics
Classification: Likely benign for Inborn genetic diseases. Last evaluated: 2023-09-22. Review status: criteria provided, single submitter. Criteria: Ambry Variant Classification Scheme 2023. Collection method: clinical testing. Allele origin: germline.

Department of Pathology and Laboratory Medicine, Sinai Health System
Classification: Uncertain significance for Microcephaly 20, primary, autosomal recessive; Lethal fetal cerebrorenogenitourinary agenesis/hypoplasia syndrome. Last evaluated: 2021-09-03. Review status: criteria provided, single submitter. Criteria: ACMG Guidelines, 2015. Collection method: research. Allele origin: germline.

Eurofins Ntd Llc (ga)
Classification: Uncertain significance. Last evaluated: 2016-06-01. Review status: criteria provided, single submitter. Criteria: EGL Classification Definitions 2015. Collection method: clinical testing. Allele origin: germline. Observed: 1 variant allele, 1 homozygote.

PreventionGenetics, part of Exact Sciences
Classification: Likely benign for KIF14-related condition. Last evaluated: 2023-04-28. Review status: no assertion criteria provided. Collection method: clinical testing. Allele origin: germline. Not counted in ClinVar's aggregate classification.
Comment: This variant is classified as likely benign based on ACMG/AMP sequence variant interpretation guidelines (Richards et al. 2015 PMID: 25741868, with internal and published modifications).

NM_014875.3(KIF14):c.346G>A (p.Glu116Lys)

Gene: KIF14 (kinesin family member 14; minus strand). Cytogenetic location: 1q32.1.
Variant type: single nucleotide variant.
Coding change: c.346G>A on transcript NM_014875.3 (MANE Select); coding-DNA position 346, G replaced by A.
Protein change: p.Glu116Lys; replaces glutamic acid 116 with lysine.
Molecular consequence: missense variant. On other transcripts: 5 prime UTR variant (1).
Genome position (GRCh38, 1-based): chr1:200,618,378, C>T on the plus strand (G>A on the coding strand, the complement: KIF14 is on the minus strand). VCF-style: chr1-200618378-C-T. GRCh37 (hg19) VCF-style: chr1-200587506-C-T.
Other names: c.346G>A (NM_014875.2); c.-1040G>A (NM_001305792.1); short protein forms E116K.
Identifiers: ClinVar variation 288199 (VCV000288199.40), dbSNP rs141768593, ClinGen allele CA1318048.